The following is an entry in ClinVar:

ClinVar aggregate classification (germline): Uncertain significance (1 of 4 stars; one submission).

Conditions:
Mitochondrial complex II deficiency, nuclear type 1. Also called: SUCCINATE CoQ REDUCTASE DEFICIENCY. Identifiers: Orphanet 3208, MedGen C5700310, MONDO:0100294, OMIM 252011.
Pheochromocytoma/paraganglioma syndrome 5. Also called: Paragangliomas 5; SDHA-Related Hereditary Paraganglioma-Pheochromocytoma Syndrome. Identifiers: Orphanet 29072, MedGen C3279992, MONDO:0013602, OMIM 614165.

Submission:

Labcorp Genetics (formerly Invitae), Labcorp
Classification: Uncertain significance for Pheochromocytoma/paraganglioma syndrome 5; Mitochondrial complex II deficiency, nuclear type 1. Last evaluated: 2024-10-29. Review status: criteria provided, single submitter. Criteria: Invitae Variant Classification Sherloc (09022015). Collection method: clinical testing. Allele origin: germline.
Comment: This sequence change replaces methionine, which is neutral and non-polar, with arginine, which is basic and polar, at codon 410 of the SDHA protein (p.Met410Arg). This variant is not present in population databases (gnomAD no frequency). This variant has not been reported in the literature in individuals affected with SDHA-related conditions. ClinVar contains an entry for this variant (Variation ID: 2944534). Invitae Evidence Modeling of protein sequence and biophysical properties (such as structural, functional, and spatial information, amino acid conservation, physicochemical variation, residue mobility, and thermodynamic stability) has been performed for this missense variant. However, the output from this modeling did not meet the statistical confidence thresholds required to predict the impact of this variant on SDHA protein function. In summary, the available evidence is currently insufficient to determine the role of this variant in disease. Therefore, it has been classified as a Variant of Uncertain Significance.

NM_004168.4(SDHA):c.1229T>G (p.Met410Arg)

Gene: SDHA (succinate dehydrogenase complex flavoprotein subunit A; plus strand). Cytogenetic location: 5p15.33.
Variant type: single nucleotide variant.
Coding change: c.1229T>G on transcript NM_004168.4 (MANE Select); coding-DNA position 1229, T replaced by G.
Protein change: p.Met410Arg; replaces methionine 410 with arginine.
Molecular consequence: missense variant.
Genome position (GRCh38, 1-based): chr5:235,308, T>G. VCF-style: chr5-235308-T-G. GRCh37 (hg19) VCF-style: chr5-235423-T-G.
Other names: c.1085T>G, p.Met362Arg (NM_001294332.2); c.1229T>G, p.Met410Arg (NM_001330758.2); short protein forms M410R, M362R.
Identifiers: ClinVar variation 2944534 (VCV002944534.3), dbSNP rs1553999505, ClinGen allele CA359013714.